The following is an entry in ClinVar:

NM_000157.4(GBA1):c.1465A>T (p.Met489Leu)

Genes: GBA1 (glucosylceramidase beta 1; minus strand), LOC106627981 (GBA recombination region; plus strand). Cytogenetic location: 1q22.
Variant type: single nucleotide variant.
Coding change: c.1465A>T on transcript NM_000157.4 (MANE Select); coding-DNA position 1465, A replaced by T.
Protein change: p.Met489Leu; replaces methionine 489 with leucine.
Molecular consequence: missense variant.
Genome position (GRCh38, 1-based): chr1:155,235,235, T>A on the plus strand (A>T on the coding strand, the complement: GBA1 is on the minus strand). VCF-style: chr1-155235235-T-A. GRCh37 (hg19) VCF-style: chr1-155205026-T-A.
Other names: c.1465A>T, p.Met489Leu (NM_001005741.3, NM_001005742.3); c.1204A>T, p.Met402Leu (NM_001171811.2); c.1318A>T, p.Met440Leu (NM_001171812.2); short protein forms M402L, M440L, M489L.
Identifiers: ClinVar variation 4817728 (VCV004817728.1).

ClinVar aggregate classification (germline): Likely pathogenic (1 of 4 stars; one submission).

Conditions:
Gaucher disease. Also called: Acute cerebral Gaucher disease; Cerebroside lipidosis syndrome; Gaucher splenomegaly; Sphingolipidosis 1; Glucocerebrosidosis; Glucosylceramidase deficiency. Identifiers: Orphanet 355, MedGen C0017205, MONDO:0018150.

Submission:

Natera, Inc.
Classification: Likely pathogenic for Gaucher disease. Last evaluated: 2024-02-27. Review status: criteria provided, single submitter. Criteria: Natera Variant Classification Schema (03/2026). Collection method: clinical testing. Allele origin: germline.
Comment: The c.1465A>T variant in GBA1 is a missense variant predicted to cause substitution of methionine to leucine at amino acid 489. This variant is rare in the general population with a frequency below the threshold expected for the associated phenotype(s). This variant has been observed in one or more individuals affected with the associated recessive disease, as either homozygous or compound heterozygous with a second variant (PMID: 21633851). Multiple computational prediction algorithms suggest this variant is unlikely to affect gene or protein function. Given the available evidence, this variant is classified as Likely Pathogenic.

Literature cited by the submitters: PubMed 21633851.